The following is an entry in ClinVar:

NM_181882.3(PRX):c.406A>G (p.Lys136Glu)

Gene: PRX (periaxin; minus strand). Cytogenetic location: 19q13.2.
Variant type: single nucleotide variant.
Coding change: c.406A>G on transcript NM_181882.3 (MANE Select); coding-DNA position 406, A replaced by G.
Protein change: p.Lys136Glu; replaces lysine 136 with glutamic acid.
Molecular consequence: missense variant. On other transcripts: 3 prime UTR variant (1).
Genome position (GRCh38, 1-based): chr19:40,397,946, T>C on the plus strand (A>G on the coding strand, the complement: PRX is on the minus strand). VCF-style: chr19-40397946-T-C. GRCh37 (hg19) VCF-style: chr19-40903853-T-C.
Other names: c.*611A>G (NM_020956.2); short protein forms K136E.
Identifiers: ClinVar variation 998676 (VCV000998676.8), dbSNP rs2079459199, ClinGen allele CA405900648.

ClinVar aggregate classification (germline): Uncertain significance. Review status: criteria provided, multiple submitters, no conflicts (2 of 4 stars). 2 submissions from 2 submitters: Uncertain significance (2). Last evaluated 2021-09-01.

Conditions:
Inborn genetic diseases. Identifiers: MedGen C0950123, MeSH D030342.
Charcot-Marie-Tooth disease type 4. Also called: Charcot-Marie-Tooth, Type 4; Charcot-Marie-Tooth disease, type IV. Identifiers: Orphanet 64749, MedGen C4082197, MONDO:0018995.

Allele frequency attached by ClinVar (database versions not stated): gnomAD exomes 0.00001.
gnomAD v4.1: 8 of 1,611,806 alleles (0.0005%); highest among the groups gnomAD compares: Non-Finnish European, 0.00068%; no homozygotes.

Submissions (2):

Labcorp Genetics (formerly Invitae), Labcorp
Classification: Uncertain significance for Charcot-Marie-Tooth disease type 4. Last evaluated: 2021-09-01. Review status: criteria provided, single submitter. Criteria: Invitae Variant Classification Sherloc (09022015). Collection method: clinical testing. Allele origin: germline.
Comment: This sequence change replaces lysine with glutamic acid at codon 136 of the PRX protein (p.Lys136Glu). The lysine residue is highly conserved and there is a small physicochemical difference between lysine and glutamic acid. This variant is not present in population databases (ExAC no frequency). This variant has not been reported in the literature in individuals affected with PRX-related conditions. Algorithms developed to predict the effect of missense changes on protein structure and function are either unavailable or do not agree on the potential impact of this missense change (SIFT: "Tolerated"; PolyPhen-2: "Possibly Damaging"; Align-GVGD: "Class C0"). In summary, the available evidence is currently insufficient to determine the role of this variant in disease. Therefore, it has been classified as a Variant of Uncertain Significance.

Ambry Genetics
Classification: Uncertain significance for Inborn genetic diseases. Last evaluated: 2020-04-30. Review status: criteria provided, single submitter. Criteria: Ambry Variant Classification Scheme 2023. Collection method: clinical testing. Allele origin: germline.
Comment: The p.K136E variant (also known as c.406A>G), located in coding exon 4 of the PRX gene, results from an A to G substitution at nucleotide position 406. The lysine at codon 136 is replaced by glutamic acid, an amino acid with similar properties. This amino acid position is highly conserved in available vertebrate species. In addition, this alteration is predicted to be tolerated by in silico analysis. Since supporting evidence is limited at this time, the clinical significance of this alteration remains unclear.